The following is an entry in ClinVar:

NM_002109.6(HARS1):c.589G>A (p.Glu197Lys)

Gene: HARS1 (histidyl-tRNA synthetase 1; minus strand). Cytogenetic location: 5q31.3.
Variant type: single nucleotide variant.
Coding change: c.589G>A on transcript NM_002109.6 (MANE Select); coding-DNA position 589, G replaced by A.
Protein change: p.Glu197Lys; replaces glutamic acid 197 with lysine.
Molecular consequence: missense variant.
Genome position (GRCh38, 1-based): chr5:140,677,949, C>T on the plus strand (G>A on the coding strand, the complement: HARS1 is on the minus strand). VCF-style: chr5-140677949-C-T. GRCh37 (hg19) VCF-style: chr5-140057534-C-T.
Other names: c.469G>A, p.Glu157Lys (NM_001258040.3); c.529G>A, p.Glu177Lys (NM_001258041.3); c.409G>A, p.Glu137Lys (NM_001258042.3); c.367G>A, p.Glu123Lys (NM_001289092.2); c.247G>A, p.Glu83Lys (NM_001289093.2); c.502G>A, p.Glu168Lys (NM_001289094.2); short protein forms E123K, E157K, E168K, E177K, E83K, E137K, E197K.
Identifiers: ClinVar variation 959241 (VCV000959241.10), dbSNP rs747711899, ClinGen allele CA361255659.
Genomic context (GRCh38, chr5:140,677,949, plus strand): 5'-CAGCCTTGTCAGCTCTGACCTTGACCAGGAAGTCGCCTATCTGAAGTGAACTCAGGATCT[C>T]GCACATGATCTTCAGGCACTCTGCATCAGGGATCATGGGATCAAAGTTCCCAGCAATGTC-3'
Protein context (NP_002100.2, residues 187-207): PDAECLKIMC[Glu197Lys]ILSSLQIGDF

ClinVar aggregate classification (germline): Uncertain significance. Review status: criteria provided, multiple submitters, no conflicts (2 of 4 stars). 3 submissions from 3 submitters: Uncertain significance (3). Last evaluated 2026-09-11.

Conditions:
HARS1-related disorder. Also called: HARS1-related condition.
Usher syndrome type 3B. Also called: USHER SYNDROME, TYPE IIIB. Identifiers: MedGen C3281066, MONDO:0013788, OMIM 614504.

gnomAD v4.1: 5 of 1,612,464 alleles (0.00031%); highest among the groups gnomAD compares: East Asian, 0.0022%; no homozygotes.

Submissions (3):

PreventionGenetics, part of Exact Sciences
Classification: Uncertain significance for HARS1-related condition. Last evaluated: 2026-09-11. Review status: criteria provided, single submitter. Criteria: ACMG Guidelines, 2015. Collection method: clinical testing. Allele origin: germline.
Comment: The HARS1 c.589G>A variant is predicted to result in the amino acid substitution p.Glu197Lys. To our knowledge, this variant has not been reported in the literature or in a large population database (gnomAD), indicating this variant is rare. At this time, the clinical significance of this variant is uncertain due to the absence of conclusive functional and genetic evidence.

Women's Health and Genetics/Laboratory Corporation of America, LabCorp
Classification: Uncertain significance. Last evaluated: 2025-04-25. Review status: criteria provided, single submitter. Criteria: LabCorp Variant Classification Summary - May 2015. Collection method: clinical testing. Allele origin: germline.
Comment: Variant summary: HARS1 c.589G>A (p.Glu197Lys) results in a conservative amino acid change in the encoded protein sequence. Four of five in-silico tools predict a damaging effect of the variant on protein function. The variant was absent in 251374 control chromosomes. The available data on variant occurrences in the general population are insufficient to allow any conclusion about variant significance. To our knowledge, no occurrence of c.589G>A in individuals affected with Autosomal dominant Charcot-Marie-Tooth disease type 2W and no experimental evidence demonstrating its impact on protein function have been reported. ClinVar contains an entry for this variant (Variation ID: 959241). Based on the evidence outlined above, the variant was classified as uncertain significance.

Labcorp Genetics (formerly Invitae), Labcorp
Classification: Uncertain significance for Usher syndrome type 3B. Last evaluated: 2023-02-13. Review status: criteria provided, single submitter. Criteria: Invitae Variant Classification Sherloc (09022015). Collection method: clinical testing. Allele origin: germline.
Comment: In summary, the available evidence is currently insufficient to determine the role of this variant in disease. Therefore, it has been classified as a Variant of Uncertain Significance. Advanced modeling of protein sequence and biophysical properties (such as structural, functional, and spatial information, amino acid conservation, physicochemical variation, residue mobility, and thermodynamic stability) performed at Invitae indicates that this missense variant is not expected to disrupt HARS protein function. ClinVar contains an entry for this variant (Variation ID: 959241). This variant has not been reported in the literature in individuals affected with HARS-related conditions. This variant is not present in population databases (gnomAD no frequency). This sequence change replaces glutamic acid, which is acidic and polar, with lysine, which is basic and polar, at codon 197 of the HARS protein (p.Glu197Lys).